The following is an entry in ClinVar:

ClinVar aggregate classification (germline): Pathogenic (1 of 4 stars; one submission).

Conditions:
Familial adenomatous polyposis 2. Also called: COLORECTAL ADENOMATOUS POLYPOSIS, AUTOSOMAL RECESSIVE; ADENOMAS, MULTIPLE COLORECTAL, AUTOSOMAL RECESSIVE; Adenomas, multiple colorectal; MYH-associated polyposis; MUTYH-associated polyposis; MUTYH-related attenuated familial adenomatous polyposis. Identifiers: Orphanet 220460, Orphanet 247798, MedGen C3272841, MONDO:0012041, OMIM 608456.

Submission:

Labcorp Genetics (formerly Invitae), Labcorp
Classification: Pathogenic for Familial adenomatous polyposis 2. Last evaluated: 2022-09-22. Review status: criteria provided, single submitter. Criteria: Invitae Variant Classification Sherloc (09022015). Collection method: clinical testing. Allele origin: germline.
Comment: For these reasons, this variant has been classified as Pathogenic. This variant disrupts a region of the MUTYH protein in which other variant(s) (p.Pro405Leu) have been determined to be pathogenic (PMID: 16140997, 16557584, 16616356, 17161978, 19732775, 19836313, 20191381, 20848659, 23322991, 25820570). This suggests that this is a clinically significant region of the protein, and that variants that disrupt it are likely to be disease-causing. This variant has not been reported in the literature in individuals affected with MUTYH-related conditions. This variant is not present in population databases (gnomAD no frequency). This sequence change creates a premature translational stop signal (p.Ala399Valfs*130) in the MUTYH gene. While this is not anticipated to result in nonsense mediated decay, it is expected to disrupt the last 151 amino acid(s) of the MUTYH protein.

Literature cited by the submitters: PubMed 16140997; PubMed 16557584; PubMed 16616356; PubMed 17161978; PubMed 19732775; PubMed 19836313; PubMed 20191381; PubMed 20848659; PubMed 23322991; PubMed 25820570.

NM_001048174.2(MUTYH):c.1112_1119del (p.Ala371fs)

Gene: MUTYH (mutY DNA glycosylase; minus strand). Cytogenetic location: 1p34.1.
Variant type: Deletion.
Coding change: c.1112_1119del on transcript NM_001048174.2 (MANE Select); coding-DNA positions 1112 to 1119, 8 bases deleted (CAGGACTG; older notation c.1112_1119delCAGGACTG).
Protein change: p.Ala371fs; shifts the reading frame from alanine 371.
Molecular consequence: frameshift variant. On other transcripts: non-coding transcript variant (2).
Genome position (GRCh38, 1-based): chr1:45,331,540-45,331,547, CAGTCCTG deleted on the plus strand (CAGGACTG on the coding strand, the reverse complement: MUTYH is on the minus strand); deleting any 8 consecutive bases within chr1:45,331,540-45,331,548 gives the same sequence; the c. name uses the placement nearest the transcript's 3' end. VCF-style (leftmost placement, unchanged base first): chr1-45331539-ACAGTCCTG-A. GRCh37 (hg19) VCF-style: chr1-45797211-ACAGTCCTG-A.
Other names: c.1112_1119del, p.Ala371fs (NM_001048171.2, NM_001048173.2, NM_001293195.2); c.1115_1122del, p.Ala372fs (NM_001048172.2); c.1196_1203del, p.Ala399fs (NM_001128425.2); c.1157_1164del, p.Ala386fs (NM_001293190.2); c.1145_1152del, p.Ala382fs (NM_001293191.2); c.836_843del, p.Ala279fs (NM_001293192.2, NM_001293196.2); c.767_774del, p.Ala256fs (NM_001350650.2, NM_001350651.2); c.1144_1151delGCAGGACT, p.Ala382Valfs (NM_001407069.1, NM_001407077.1); and 10 more; short protein forms A256fs, A279fs, A386fs, A371fs, A396fs, A372fs, A382fs, A399fs.
Identifiers: ClinVar variation 2031935 (VCV002031935.4), dbSNP rs2523969766, ClinGen allele CA2580063011.